The following is an entry in ClinVar:

NM_000141.5(FGFR2):c.939+11T>C

Gene: FGFR2 (fibroblast growth factor receptor 2; minus strand). Cytogenetic location: 10q26.13.
Variant type: single nucleotide variant.
Coding change: c.939+11T>C on transcript NM_000141.5 (MANE Select); 11 bases into the intron after coding-DNA position 939, T replaced by C.
Molecular consequence: intron variant.
Genome position (GRCh38, 1-based): chr10:121,519,968, A>G on the plus strand (T>C on the coding strand, the complement: FGFR2 is on the minus strand). VCF-style: chr10-121519968-A-G. GRCh37 (hg19) VCF-style: chr10-123279482-A-G.
Other names: c.749-4649T>C (NM_001144914.1); c.594+11T>C (NM_001144918.2, NM_001441091.1, NM_001441090.1 and 1 more transcripts); c.672+11T>C (NM_001441089.1, NM_023029.3, NM_001441088.1 and 2 more transcripts); c.939+11T>C (NM_001144917.2, NM_001320658.2, NM_001441087.1 and 2 more transcripts); c.255+11T>C (NM_001320654.2).
Identifiers: ClinVar variation 135547 (VCV000135547.16), dbSNP rs145303463, ClinGen allele CA163004.

ClinVar aggregate classification (germline): Benign/Likely benign. Review status: criteria provided, multiple submitters, no conflicts (2 of 4 stars). 10 submissions from 6 submitters: Benign (6); Likely benign (3). 1 of the submissions does not count toward it. Last evaluated 2026-01-16.

Conditions:
FGFR2-related craniosynostosis. Identifiers: MedGen CN231480.
Craniosynostosis syndrome. Also called: Craniosynostosis. Identifiers: Orphanet 1531, MedGen C0010278, MeSH D003398, MONDO:0015469, HP:0001363.
Isolated Coronal Synostosis. Identifiers: MedGen CN043619.
Saethre-Chotzen syndrome (SCS). Also called: ACROCEPHALY, SKULL ASYMMETRY, AND MILD SYNDACTYLY; ACS III; CHOTZEN SYNDROME. Identifiers: Orphanet 794, MedGen C0175699, MONDO:0007042, OMIM 101400.
Crouzon syndrome. Also called: Craniofacial dysostosis type 1; Crouzon craniofacial dysostosis; Crouzon disease; CRANIOFACIAL DYSOSTOSIS, TYPE I; Craniofacial dysostosis. Identifiers: Orphanet 207, MedGen C0010273, MeSH D003394, MONDO:0007405, OMIM 123500, HP:0004439.
Beare-Stevenson cutis gyrata syndrome (BSTVS). Identifiers: Orphanet 1555, MedGen C1852406, MONDO:0007412, OMIM 123790.

Allele frequency attached by ClinVar (database versions not stated): ExAC 0.00052; ESP Exome Variant Server 0.00131; gnomAD 0.00134; TOPMed 0.00155; 1000 Genomes Project 30x 0.00219; 1000 Genomes Project 0.00240.
gnomAD v4.1: 585 of 1,614,148 alleles (0.036%); highest among the groups gnomAD compares: African/African-American, 0.52%; 3 homozygotes.

Submissions (10):

Labcorp Genetics (formerly Invitae), Labcorp
Classification: Benign for FGFR2-related craniosynostosis. Last evaluated: 2026-01-16. Review status: criteria provided, single submitter. Criteria: Invitae Variant Classification Sherloc (09022015). Collection method: clinical testing. Allele origin: germline.

ARUP Laboratories, Molecular Genetics and Genomics, ARUP Laboratories
Classification: Benign. Last evaluated: 2025-06-24. Review status: criteria provided, single submitter. Criteria: ARUP Molecular Germline Variant Investigation Process 2024. Collection method: clinical testing. Allele origin: germline.

Blueprint Genetics
Classification: Likely benign. Last evaluated: 2024-11-01. Review status: criteria provided, single submitter. Criteria: ACMG Guidelines, 2015. Collection method: clinical testing. Allele origin: germline.

Illumina Laboratory Services, Illumina
Classification: Benign for Saethre-Chotzen syndrome. Last evaluated: 2018-01-13. Review status: criteria provided, single submitter. Criteria: ICSL Variant Classification Criteria 13 December 2019. Collection method: clinical testing. Allele origin: germline.
Comment: This variant was observed in the ICSL laboratory as part of a predisposition screen in an ostensibly healthy population. It had not been previously curated by ICSL or reported in the Human Gene Mutation Database (HGMD: prior to June 1st, 2018), and was therefore a candidate for classification through an automated scoring system. Utilizing variant allele frequency, disease prevalence and penetrance estimates, and inheritance mode, an automated score was calculated to assess if this variant is too frequent to cause the disease. Based on the score and internal cut-off values, a variant classified as benign is not then subjected to further curation. The score for this variant resulted in a classification of benign for this disease.

Illumina Laboratory Services, Illumina
Classification: Benign for Crouzon syndrome. Last evaluated: 2018-01-13. Review status: criteria provided, single submitter. Criteria: ICSL Variant Classification Criteria 13 December 2019. Collection method: clinical testing. Allele origin: germline.
Comment: the same text as in the submission from Illumina Laboratory Services, Illumina above.

Illumina Laboratory Services, Illumina
Classification: Benign for Craniosynostosis. Last evaluated: 2018-01-13. Review status: criteria provided, single submitter. Criteria: ICSL Variant Classification Criteria 13 December 2019. Collection method: clinical testing. Allele origin: germline.
Comment: the same text as in the submission from Illumina Laboratory Services, Illumina above.

Illumina Laboratory Services, Illumina
Classification: Benign for Beare-Stevenson cutis gyrata syndrome. Last evaluated: 2018-01-13. Review status: criteria provided, single submitter. Criteria: ICSL Variant Classification Criteria 13 December 2019. Collection method: clinical testing. Allele origin: germline.
Comment: the same text as in the submission from Illumina Laboratory Services, Illumina above.

Illumina Laboratory Services, Illumina
Classification: Likely benign for Isolated coronal synostosis. Last evaluated: 2018-01-13. Review status: criteria provided, single submitter. Criteria: ICSL Variant Classification Criteria 13 December 2019. Collection method: clinical testing. Allele origin: germline.
Comment: This variant was observed in the ICSL laboratory as part of a predisposition screen in an ostensibly healthy population. It had not been previously curated by ICSL or reported in the Human Gene Mutation Database (HGMD: prior to June 1st, 2018), and was therefore a candidate for classification through an automated scoring system. Utilizing variant allele frequency, disease prevalence and penetrance estimates, and inheritance mode, an automated score was calculated to assess if this variant is too frequent to cause the disease. Based on the score and internal cut-off values, a variant classified as likely benign is not then subjected to further curation. The score for this variant resulted in a classification of likely benign for this disease.

Breakthrough Genomics
Classification: Likely benign. Review status: criteria provided, single submitter. Criteria: ACMG Guidelines, 2015. Collection method: not provided. Allele origin: germline. Inheritance: Autosomal dominant inheritance. Affected: yes.

ITMI
No classification provided. Condition: AllHighlyPenetrant. Last evaluated: 2013-09-19. Review status: no classification provided. Collection method: reference population. Allele origin: germline. Not counted in ClinVar's aggregate classification.
Comment: Please see associated publication for description of ethnicities

Literature cited by the submitters: PubMed 24728327 (cited by ITMI).